The following is an entry in ClinVar:

ClinVar aggregate classification (germline): Uncertain significance. Review status: criteria provided, multiple submitters, no conflicts (2 of 4 stars). 4 submissions from 4 submitters: Uncertain significance (4). Last evaluated 2025-10-17.

Conditions:
Inborn genetic diseases. Identifiers: MedGen C0950123, MeSH D030342.

Allele frequency attached by ClinVar (database versions not stated): TOPMed 0.00001; gnomAD 0.00003; gnomAD exomes 0.00003; ExAC 0.00011.

Submissions (4):

Ambry Genetics
Classification: Uncertain significance for Inborn genetic diseases. Last evaluated: 2025-10-17. Review status: criteria provided, single submitter. Criteria: Ambry Variant Classification Scheme 2023. Collection method: clinical testing. Allele origin: germline.

Blueprint Genetics
Classification: Uncertain significance. Last evaluated: 2023-11-23. Review status: criteria provided, single submitter. Criteria: ACMG Guidelines, 2015. Collection method: clinical testing. Allele origin: germline.

Mayo Clinic Laboratories, Mayo Clinic
Classification: Uncertain significance. Last evaluated: 2022-11-22. Review status: criteria provided, single submitter. Criteria: ACMG Guidelines, 2015. Collection method: clinical testing. Allele origin: germline. Observed: 1 variant allele.

Labcorp Genetics (formerly Invitae), Labcorp
Classification: Uncertain significance. Last evaluated: 2022-01-21. Review status: criteria provided, single submitter. Criteria: Invitae Variant Classification Sherloc (09022015). Collection method: clinical testing. Allele origin: germline.
Comment: In summary, the available evidence is currently insufficient to determine the role of this variant in disease. Therefore, it has been classified as a Variant of Uncertain Significance. Advanced modeling of protein sequence and biophysical properties (such as structural, functional, and spatial information, amino acid conservation, physicochemical variation, residue mobility, and thermodynamic stability) performed at Invitae indicates that this missense variant is not expected to disrupt CRB2 protein function. This variant has not been reported in the literature in individuals affected with CRB2-related conditions. This variant is present in population databases (rs764144980, gnomAD 0.01%). This sequence change replaces glycine, which is neutral and non-polar, with alanine, which is neutral and non-polar, at codon 618 of the CRB2 protein (p.Gly618Ala).

NM_173689.7(CRB2):c.1853G>C (p.Gly618Ala)

Gene: CRB2 (crumbs cell polarity complex component 2; plus strand). Cytogenetic location: 9q33.3.
Variant type: single nucleotide variant.
Coding change: c.1853G>C on transcript NM_173689.7 (MANE Select); coding-DNA position 1853, G replaced by C.
Protein change: p.Gly618Ala; replaces glycine 618 with alanine.
Molecular consequence: missense variant. On other transcripts: non-coding transcript variant (1).
Genome position (GRCh38, 1-based): chr9:123,370,906, G>C. VCF-style: chr9-123370906-G-C. GRCh37 (hg19) VCF-style: chr9-126133185-G-C.
Other names: p.Gly618Ala; c.1853G>C (NM_173689.5); short protein forms G618A.
Identifiers: ClinVar variation 1991119 (VCV001991119.7), dbSNP rs764144980, ClinGen allele CA5232066.